The following is an entry in ClinVar:

NM_014053.4(FLVCR1):c.722C>T (p.Ala241Val)

Gene: FLVCR1 (FLVCR choline and heme transporter 1; plus strand). Cytogenetic location: 1q32.3.
Variant type: single nucleotide variant.
Coding change: c.722C>T on transcript NM_014053.4 (MANE Select); coding-DNA position 722, C replaced by T.
Protein change: p.Ala241Val; replaces alanine 241 with valine.
Molecular consequence: missense variant.
Genome position (GRCh38, 1-based): chr1:212,859,174, C>T. VCF-style: chr1-212859174-C-T. GRCh37 (hg19) VCF-style: chr1-213032516-C-T.
Other names: short protein forms A241V.
Identifiers: ClinVar variation 3686715 (VCV003686715.2).

ClinVar aggregate classification (germline): Uncertain significance (1 of 4 stars; one submission).

gnomAD v4.1: 1 of 1,614,042 alleles (0.000062%); highest among the groups gnomAD compares: Non-Finnish European, 0.000085%; no homozygotes.

Submission:

Labcorp Genetics (formerly Invitae), Labcorp
Classification: Uncertain significance. Last evaluated: 2024-05-02. Review status: criteria provided, single submitter. Criteria: Invitae Variant Classification Sherloc (09022015). Collection method: clinical testing. Allele origin: germline.
Comment: This sequence change replaces alanine, which is neutral and non-polar, with valine, which is neutral and non-polar, at codon 241 of the FLVCR1 protein (p.Ala241Val). This variant is not present in population databases (gnomAD no frequency). This missense change has been observed in individual(s) with clinical features of FLVCR1-related conditions (Invitae). In at least one individual the data is consistent with being in trans (on the opposite chromosome) from a pathogenic variant. Advanced modeling of protein sequence and biophysical properties (such as structural, functional, and spatial information, amino acid conservation, physicochemical variation, residue mobility, and thermodynamic stability) has been performed at Invitae for this missense variant, however the output from this modeling did not meet the statistical confidence thresholds required to predict the impact of this variant on FLVCR1 protein function. This variant disrupts the p.Ala241 amino acid residue in FLVCR1. Other variant(s) that disrupt this residue have been determined to be pathogenic (PMID: 21070897, 22483575). This suggests that this residue is clinically significant, and that variants that disrupt this residue are likely to be disease-causing. In summary, the available evidence is currently insufficient to determine the role of this variant in disease. Therefore, it has been classified as a Variant of Uncertain Significance.

Literature cited by the submitters: PubMed 21070897; PubMed 22483575.